The following is an entry in ClinVar:

ClinVar aggregate classification (germline): Likely pathogenic (1 of 4 stars; one submission).

Submission:

GeneDx
Classification: Likely pathogenic. Last evaluated: 2019-07-16. Review status: criteria provided, single submitter. Criteria: GeneDx Variant Classification Process June 2021. Collection method: clinical testing. Allele origin: germline. Affected: yes.
Comment: Has not been previously published as pathogenic or benign to our knowledge; Not observed in large population cohorts (Lek et al., 2016); Frameshift variant predicted to result in protein truncation or nonsense mediated decay in a gene for which loss-of-function is a known mechanism of disease

NM_001367624.2(ZNF469):c.2045_2063dup (p.Phe690fs)

Gene: ZNF469 (zinc finger protein 469; plus strand). Cytogenetic location: 16q24.2.
Variant type: Duplication.
Coding change: c.2045_2063dup on transcript NM_001367624.2 (MANE Select); coding-DNA positions 2045 to 2063, 19 bases duplicated (TCCAGTGCCTGGAGGAGAC).
Protein change: p.Phe690fs; shifts the reading frame from phenylalanine 690.
Molecular consequence: frameshift variant.
Genome position (GRCh38, 1-based): chr16:88,429,515-88,429,533, TCCAGTGCCTGGAGGAGAC duplicated. VCF-style (leftmost placement, unchanged base first): chr16-88429514-T-TTCCAGTGCCTGGAGGAGAC. GRCh37 (hg19) VCF-style: chr16-88495922-T-TTCCAGTGCCTGGAGGAGAC.
Other names: NM_001127464.1:c.2045_2063dupTCCAGTGCCTGGAGGAGAC; short protein forms F690fs.
Identifiers: ClinVar variation 1195283 (VCV001195283.2), dbSNP rs2142300893, ClinGen allele CA2499223729.